The following is an entry in ClinVar:

ClinVar aggregate classification (germline): Uncertain significance (1 of 4 stars; one submission).

gnomAD v4.1: 2 of 1,551,282 alleles (0.00013%); highest among the groups gnomAD compares: Non-Finnish European, 0.00017%; no homozygotes.

Submission:

Labcorp Genetics (formerly Invitae), Labcorp
Classification: Uncertain significance. Last evaluated: 2025-10-02. Review status: criteria provided, single submitter. Criteria: Invitae Variant Classification Sherloc (09022015). Collection method: clinical testing. Allele origin: germline.
Comment: This sequence change replaces phenylalanine, which is neutral and non-polar, with serine, which is neutral and polar, at codon 2193 of the UNC80 protein (p.Phe2193Ser). This variant is not present in population databases (gnomAD no frequency). This variant has not been reported in the literature in individuals affected with UNC80-related conditions. Invitae Evidence Modeling of protein sequence and biophysical properties (such as structural, functional, and spatial information, amino acid conservation, physicochemical variation, residue mobility, and thermodynamic stability) indicates that this missense variant is not expected to disrupt UNC80 protein function with a negative predictive value of 80%. In summary, the available evidence is currently insufficient to determine the role of this variant in disease. Therefore, it has been classified as a Variant of Uncertain Significance.

NM_001371986.1(UNC80):c.6776T>C (p.Phe2259Ser)

Gene: UNC80 (unc-80 subunit of NALCN channel complex; plus strand). Cytogenetic location: 2q34.
Variant type: single nucleotide variant.
Coding change: c.6776T>C on transcript NM_001371986.1 (MANE Select); coding-DNA position 6776, T replaced by C.
Protein change: p.Phe2259Ser; replaces phenylalanine 2259 with serine.
Molecular consequence: missense variant.
Genome position (GRCh38, 1-based): chr2:209,941,350, T>C. VCF-style: chr2-209941350-T-C. GRCh37 (hg19) VCF-style: chr2-210806074-T-C.
Other names: c.6578T>C, p.Phe2193Ser (NM_032504.2); c.6563T>C, p.Phe2188Ser (NM_182587.4); short protein forms F2259S, F2193S, F2188S.
Identifiers: ClinVar variation 4771924 (VCV004771924.1).
Genomic context (GRCh38, chr2:209,941,350, plus strand): 5'-TCCTGGGCATGCCGAGCGAGTTTCCATGGGGAGACGAAATCATGCTTTTCCTCAACGTTT[T>C]TAACGGGGCTCTGATCCTCCACCCGGAAGACAGTGCCCTGCTCAGGCAGTATGCTGCCAC-3'
Protein context (NP_001358915.1, residues 2249-2269): GDEIMLFLNV[Phe2259Ser]NGALILHPED